The following is an entry in ClinVar:

ClinVar aggregate classification (germline): Uncertain significance (1 of 4 stars; one submission).

Conditions:
VPS13A-related neurodegenerative disease. Also called: LEVINE-CRITCHLEY SYNDROME; Choreaacanthocytosis; ACANTHOCYTOSIS WITH NEUROLOGIC DISORDER; VPS13A Disease; Choreoacanthocytosis; Chorea-acanthocytosis. Identifiers: Orphanet 2388, MedGen C0393576, MONDO:0008695, OMIM 200150.

Submission:

Juno Genomics, Hangzhou Juno Genomics, Inc
Classification: Uncertain significance for VPS13A-related neurodegenerative disease. Review status: criteria provided, single submitter. Criteria: ACMG Guidelines, 2015. Collection method: clinical testing. Allele origin: germline.
Comment: Absent from controls (or at extremely low frequency if recessive) in Genome Aggregation Database.;Multiple lines of computational evidence support a deleterious effect on the gene or gene product.

NM_033305.3(VPS13A):c.8908G>A (p.Gly2970Arg)

Gene: VPS13A (vacuolar protein sorting 13 homolog A; plus strand). Cytogenetic location: 9q21.2.
Variant type: single nucleotide variant.
Coding change: c.8908G>A on transcript NM_033305.3 (MANE Select); coding-DNA position 8908, G replaced by A.
Protein change: p.Gly2970Arg; replaces glycine 2970 with arginine.
Molecular consequence: missense variant.
Genome position (GRCh38, 1-based): chr9:77,370,890, G>A. VCF-style: chr9-77370890-G-A. GRCh37 (hg19) VCF-style: chr9-79985806-G-A.
Other names: c.8791G>A, p.Gly2931Arg (NM_001018037.2); c.8908G>A, p.Gly2970Arg (NM_001018038.3, NM_015186.4); short protein forms G2931R, G2970R.
Identifiers: ClinVar variation 5007467 (VCV005007467.2).